The following is an entry in ClinVar:

NM_000444.6(PHEX):c.617T>A (p.Leu206Ter)

Gene: PHEX (phosphate regulating endopeptidase homolog X-linked; plus strand). Cytogenetic location: Xp22.11.
Variant type: single nucleotide variant.
Coding change: c.617T>A on transcript NM_000444.6 (MANE Select); coding-DNA position 617, T replaced by A.
Protein change: p.Leu206Ter; replaces leucine 206 with a stop codon.
Molecular consequence: nonsense.
Genome position (GRCh38, 1-based): chrX:22,077,656, T>A. VCF-style: chrX-22077656-T-A. GRCh37 (hg19) VCF-style: chrX-22095774-T-A.
Other names: c.617T>A, p.Leu206Ter (NM_001282754.2); short protein forms L206*.
Identifiers: ClinVar variation 280502 (VCV000280502.2), dbSNP rs886041694, ClinGen allele CA10603631.
Genomic context (GRCh38, chrX:22,077,656, plus strand): 5'-GCCTTCTGCAGACACTTGCAACGTTTCGTGGTCAATACAGCAATTCTGTGTTCATCCGTT[T>A]GTATGTGTCCCCTGATGACAAAGCATCCAATGAACATATCTTGAAGGTATAATGAGGACC-3'

ClinVar aggregate classification (germline): Pathogenic (1 of 4 stars; one submission).

Submission:

GeneDx
Classification: Pathogenic. Last evaluated: 2016-04-21. Review status: criteria provided, single submitter. Criteria: GeneDx Variant Classification (06012015). Collection method: clinical testing. Allele origin: germline. Affected: yes.
Comment: The L206X nonsense variant in the PHEX gene is predicted to cause loss of normal protein function either through protein truncation or nonsense-mediated mRNA decay. The variant was not observed in approximately 6,500 individuals of European and African American ancestry in the NHLBI Exome Sequencing Project, indicating it is not a common benign variant in these populations.